The following is an entry in ClinVar:

ClinVar aggregate classification (germline): Pathogenic (1 of 4 stars; one submission).

Conditions:
Tuberous sclerosis 2 (TSC2). Identifiers: Orphanet 805, MedGen C1860707, MONDO:0013199, OMIM 613254.

Submission:

Labcorp Genetics (formerly Invitae), Labcorp
Classification: Pathogenic for Tuberous sclerosis 2. Last evaluated: 2022-08-22. Review status: criteria provided, single submitter. Criteria: Invitae Variant Classification Sherloc (09022015). Collection method: clinical testing. Allele origin: germline.
Comment: For these reasons, this variant has been classified as Pathogenic. ClinVar contains an entry for this variant (Variation ID: 1389547). This variant has not been reported in the literature in individuals affected with TSC2-related conditions. This variant is not present in population databases (gnomAD no frequency). This sequence change creates a premature translational stop signal (p.Asp731Thrfs*40) in the TSC2 gene. It is expected to result in an absent or disrupted protein product. Loss-of-function variants in TSC2 are known to be pathogenic (PMID: 10205261, 17304050).

Literature cited by the submitters: PubMed 10205261; PubMed 17304050.

NM_000548.5(TSC2):c.2191del (p.Asp731fs)

Gene: TSC2 (TSC complex subunit 2; plus strand). Cytogenetic location: 16p13.3.
Variant type: Deletion.
Coding change: c.2191del on transcript NM_000548.5 (MANE Select); coding-DNA position 2191, one base deleted (G; older notation c.2191delG).
Protein change: p.Asp731fs; shifts the reading frame from aspartic acid 731.
Molecular consequence: frameshift variant.
Genome position (GRCh38, 1-based): chr16:2,072,334, G deleted; the last of 2 consecutive G bases (chr16:2,072,333-2,072,334); deleting either gives the same sequence. VCF-style (leftmost placement, unchanged base first): chr16-2072332-TG-T. GRCh37 (hg19) VCF-style: chr16-2122333-TG-T.
Other names: c.2191del, p.Asp731fs (NM_001077183.3, NM_001114382.3, NM_001363528.2 and 3 more transcripts); c.2080del, p.Asp694fs (NM_001318827.2); c.2044del, p.Asp682fs (NM_001318829.2); c.1591del, p.Asp531fs (NM_001318831.2); c.2224del, p.Asp742fs (NM_001318832.2); short protein forms D531fs, D694fs, D742fs, D731fs, D682fs.
Identifiers: ClinVar variation 1389547 (VCV001389547.6), dbSNP rs2151318827, ClinGen allele CA2573151596.